The following is an entry in ClinVar:

NM_001369268.1(ACAN):c.1979C>T (p.Thr660Met)

Gene: ACAN (aggrecan; plus strand). Cytogenetic location: 15q26.1.
Variant type: single nucleotide variant.
Coding change: c.1979C>T on transcript NM_001369268.1 (MANE Select); coding-DNA position 1979, C replaced by T.
Protein change: p.Thr660Met; replaces threonine 660 with methionine.
Molecular consequence: missense variant.
Genome position (GRCh38, 1-based): chr15:88,849,684, C>T. VCF-style: chr15-88849684-C-T. GRCh37 (hg19) VCF-style: chr15-89392915-C-T.
Other names: c.1979C>T, p.Thr660Met (NM_001135.4, NM_001411096.1, NM_001411097.1 and 1 more transcripts); short protein forms T660M.
Identifiers: ClinVar variation 2064996 (VCV002064996.4), dbSNP rs141628105, ClinGen allele CA7719746.

ClinVar aggregate classification (germline): Uncertain significance (1 of 4 stars; one submission).

Allele frequency attached by ClinVar (database versions not stated): gnomAD 0.00005; ExAC 0.00009; 1000 Genomes Project 30x 0.00031; TOPMed 0.00002; 1000 Genomes Project 0.00040.
gnomAD v4.1: 98 of 1,613,822 alleles (0.0061%); highest among the groups gnomAD compares: East Asian, 0.18%; no homozygotes.

Submission:

Labcorp Genetics (formerly Invitae), Labcorp
Classification: Uncertain significance. Last evaluated: 2024-05-14. Review status: criteria provided, single submitter. Criteria: Invitae Variant Classification Sherloc (09022015). Collection method: clinical testing. Allele origin: germline.
Comment: This sequence change replaces threonine, which is neutral and polar, with methionine, which is neutral and non-polar, at codon 660 of the ACAN protein (p.Thr660Met). This variant is present in population databases (rs141628105, gnomAD 0.04%). This missense change has been observed in individual(s) with idiopathic short stature (PMID: 28768959, 35620465). ClinVar contains an entry for this variant (Variation ID: 2064996). Advanced modeling of protein sequence and biophysical properties (such as structural, functional, and spatial information, amino acid conservation, physicochemical variation, residue mobility, and thermodynamic stability) performed at Invitae indicates that this missense variant is not expected to disrupt ACAN protein function with a negative predictive value of 80%. In summary, the available evidence is currently insufficient to determine the role of this variant in disease. Therefore, it has been classified as a Variant of Uncertain Significance.

Literature cited by the submitters: PubMed 28768959; PubMed 35620465.